The following is an entry in ClinVar:

ClinVar aggregate classification (germline): Uncertain significance (1 of 4 stars; one submission).

Allele frequency attached by ClinVar (database versions not stated): TOPMed below 0.00001; gnomAD exomes 0.00002.
gnomAD v4.1: 36 of 1,613,368 alleles (0.0022%); highest among the groups gnomAD compares: Non-Finnish European, 0.0027%; no homozygotes.

Submission:

Labcorp Genetics (formerly Invitae), Labcorp
Classification: Uncertain significance. Last evaluated: 2022-02-08. Review status: criteria provided, single submitter. Criteria: Invitae Variant Classification Sherloc (09022015). Collection method: clinical testing. Allele origin: germline.
Comment: This sequence change replaces glutamine, which is neutral and polar, with histidine, which is basic and polar, at codon 22 of the ARPC1B protein (p.Gln22His). This variant is not present in population databases (gnomAD no frequency). This variant has not been reported in the literature in individuals affected with ARPC1B-related conditions. Algorithms developed to predict the effect of missense changes on protein structure and function are either unavailable or do not agree on the potential impact of this missense change (SIFT: "Tolerated"; PolyPhen-2: "Possibly Damaging"; Align-GVGD: "Class C0"). In summary, the available evidence is currently insufficient to determine the role of this variant in disease. Therefore, it has been classified as a Variant of Uncertain Significance.

NM_005720.4(ARPC1B):c.66G>T (p.Gln22His)

Gene: ARPC1B (actin related protein 2/3 complex subunit 1B; plus strand). Cytogenetic location: 7q22.1.
Variant type: single nucleotide variant.
Coding change: c.66G>T on transcript NM_005720.4 (MANE Select); coding-DNA position 66, G replaced by T.
Protein change: p.Gln22His; replaces glutamine 22 with histidine.
Molecular consequence: missense variant.
Genome position (GRCh38, 1-based): chr7:99,386,686, G>T. VCF-style: chr7-99386686-G-T. GRCh37 (hg19) VCF-style: chr7-98984309-G-T.
Other names: short protein forms Q22H.
Identifiers: ClinVar variation 1355842 (VCV001355842.7), dbSNP rs1250940667, ClinGen allele CA368314811.